The following is an entry in ClinVar:

ClinVar aggregate classification (germline): Uncertain significance (1 of 4 stars; one submission).

Conditions:
Developmental and epileptic encephalopathy, 33 (DEE33). Also called: Epileptic encephalopathy, early infantile, 33. Identifiers: Orphanet 442835, MedGen C4225337, MONDO:0014625, OMIM 616409.

Submission:

Labcorp Genetics (formerly Invitae), Labcorp
Classification: Uncertain significance for Developmental and epileptic encephalopathy, 33. Last evaluated: 2021-04-08. Review status: criteria provided, single submitter. Criteria: Invitae Variant Classification Sherloc (09022015). Collection method: clinical testing. Allele origin: germline.
Comment: In summary, the available evidence is currently insufficient to determine the role of this variant in disease. Therefore, it has been classified as a Variant of Uncertain Significance. This variant has not been reported in the literature in individuals with EEF1A2-related conditions. This variant is a gross deletion of the genomic region encompassing exon(s) 3-8 of the EEF1A2 gene. The 5' boundary is likely confined to intron 2. The 3' end of this event is unknown as it extends through the termination codon beyond the assayed region for this gene and may encompass additional genes. While this deletion is not anticipated to lead to nonsense mediated decay, it is expected to alter mRNA translation or result in a truncated protein product.

NC_000020.10:g.(?_62062673)_(62127408_?)del

Genes: EEF1A2 (eukaryotic translation elongation factor 1 alpha 2; minus strand), KCNQ2 (potassium voltage-gated channel subfamily Q member 2; minus strand). Cytogenetic location: 20q13.33.
Variant type: Deletion.
Identifiers: ClinVar variation 1430621 (VCV001430621.40).